The following is an entry in ClinVar:

ClinVar aggregate classification (germline): Likely benign. Review status: criteria provided, multiple submitters, no conflicts (2 of 4 stars). 2 submissions from 2 submitters: Likely benign (2). Last evaluated 2018-06-16.

Allele frequency attached by ClinVar (database versions not stated): gnomAD 0.04614 and 0.05943; TOPMed 0.06895; 1000 Genomes Project 30x 0.15506; 1000 Genomes Project 0.16294.

Submissions (2):

GeneDx
Classification: Likely benign. Last evaluated: 2018-06-16. Review status: criteria provided, single submitter. Criteria: GeneDx Variant Classification (06012015). Collection method: clinical testing. Allele origin: germline. Affected: yes.
Comment: This variant is considered likely benign or benign based on one or more of the following criteria: it is a conservative change, it occurs at a poorly conserved position in the protein, it is predicted to be benign by multiple in silico algorithms, and/or has population frequency not consistent with disease.

Breakthrough Genomics
Classification: Likely benign. Review status: criteria provided, single submitter. Criteria: ACMG Guidelines, 2015. Collection method: not provided. Allele origin: germline. Inheritance: Autosomal recessive inheritance. Affected: yes.

NM_015346.4(ZFYVE26):c.5622-237C>T

Gene: ZFYVE26 (zinc finger FYVE-type containing 26; minus strand). Cytogenetic location: 14q24.1.
Variant type: single nucleotide variant.
Coding change: c.5622-237C>T on transcript NM_015346.4 (MANE Select); 237 bases into the intron before coding-DNA position 5622, C replaced by T.
Molecular consequence: intron variant.
Genome position (GRCh38, 1-based): chr14:67,768,785, G>A on the plus strand (C>T on the coding strand, the complement: ZFYVE26 is on the minus strand). VCF-style: chr14-67768785-G-A. GRCh37 (hg19) VCF-style: chr14-68235502-G-A.
Identifiers: ClinVar variation 670344 (VCV000670344.2), dbSNP rs3759769, ClinGen allele CA15816158.
Genomic context (GRCh38, chr14:67,768,785, plus strand): 5'-CAGTATGGTGTGTGGGTAATTCCTCCAGGAGGGAGGGAGGCAGTGGTATGCTAGGGTCAC[G>A]GAAACTGTAGAGTAAGTATGGTGTGTCTTCCTTCCTATGCGATCAGTAATCATTATGGTA-3'